The following is an entry in ClinVar:

NM_001354604.2(MITF):c.931C>T (p.Gln311Ter)

Gene: MITF (melanocyte inducing transcription factor; plus strand). Cytogenetic location: 3p13.
Variant type: single nucleotide variant.
Coding change: c.931C>T on transcript NM_001354604.2 (MANE Select); coding-DNA position 931, C replaced by T.
Protein change: p.Gln311Ter; replaces glutamine 311 with a stop codon.
Molecular consequence: nonsense.
Genome position (GRCh38, 1-based): chr3:69,951,862, C>T. VCF-style: chr3-69951862-C-T. GRCh37 (hg19) VCF-style: chr3-70001013-C-T.
Other names: c.610C>T, p.Gln204Ter (NM_000248.4); c.757C>T, p.Gln253Ter (NM_001184967.2, NM_001354608.2); c.928C>T, p.Gln310Ter (NM_001354605.2); c.910C>T, p.Gln304Ter (NM_001354606.2, NM_006722.3); c.862C>T, p.Gln288Ter (NM_001354607.2); c.592C>T, p.Gln198Ter (NM_198158.3); c.913C>T, p.Gln305Ter (NM_198159.3); c.865C>T, p.Gln289Ter (NM_198177.3); and 1 more; short protein forms Q204*, Q142*, Q288*, Q310*, Q311*, Q253*, Q198*, Q289*.
Identifiers: ClinVar variation 620508 (VCV000620508.2), dbSNP rs1559745185, ClinGen allele CA353561617.
Genomic context (GRCh38, chr3:69,951,862, plus strand): 5'-ACGTGCACAGCGTGTATTTTTCCCACAGAGTCTGAAGCAAGAGCACTGGCCAAAGAGAGG[C>T]AGAAAAAGGACAATCACAACCTGAGTAAGTTGGTTTTATTTATGTTCATGACATTTGATA-3'

ClinVar aggregate classification (germline): Pathogenic/Likely pathogenic. Review status: criteria provided, multiple submitters, no conflicts (2 of 4 stars). 2 submissions from 2 submitters: Pathogenic (1); Likely pathogenic (1). Last evaluated 2024-10-17.

Conditions:
Waardenburg syndrome type 2. Identifiers: Orphanet 895, MedGen C2700265, MONDO:0019517.

Submissions (2):

Women's Health and Genetics/Laboratory Corporation of America, LabCorp
Classification: Pathogenic for Waardenburg syndrome type 2. Last evaluated: 2024-10-17. Review status: criteria provided, single submitter. Criteria: LabCorp Variant Classification Summary - May 2015. Collection method: clinical testing. Allele origin: germline.
Comment: Variant summary: MITF c.610C>T (p.Gln204X) results in a premature termination codon, predicted to cause a truncation of the encoded protein or absence of the protein due to nonsense mediated decay, which are commonly known mechanisms for disease. The variant was absent in 250884 control chromosomes. c.610C>T has been reported in the literature in an individual affected with Waardenburg Syndrome 2 with familial segregation (Bertani-Torres_2023). To our knowledge, no experimental evidence demonstrating an impact on protein function has been reported. The following publication have been ascertained in the context of this evaluation (PMID: 38391765). ClinVar contains an entry for this variant (Variation ID: 620508). Based on the evidence outlined above, the variant was classified as pathogenic.

GeneDx
Classification: Likely pathogenic. Last evaluated: 2018-12-24. Review status: criteria provided, single submitter. Criteria: GeneDx Variant Classification (06012015). Collection method: clinical testing. Allele origin: germline. Affected: yes.
Comment: The Q204X variant has not been published as a pathogenic variant, nor has it been reported as a benign variant to our knowledge. The variant is not observed in large population cohorts (Lek et al., 2016). The nonsense variant is predicted to cause loss of normal protein function either through protein truncation or nonsense-mediated mRNA decay. We consider this variant to be likely pathogenic.

Literature cited by the submitters: PubMed 38391765 (cited by Women's Health and Genetics/Laboratory Corporation of America, LabCorp).